The following is an entry in ClinVar:

ClinVar aggregate classification (germline): Uncertain significance (1 of 4 stars; one submission).

Conditions:
Cardiovascular phenotype. Identifiers: MedGen CN230736.
Hereditary cancer-predisposing syndrome. Also called: Tumor predisposition; Hereditary neoplastic syndrome; Neoplastic Syndromes, Hereditary; Hereditary Cancer Syndrome. Identifiers: Orphanet 140162, MedGen C0027672, MeSH D009386, MONDO:0015356.

Submission:

Ambry Genetics
Classification: Uncertain significance for Cardiovascular phenotype; Hereditary cancer-predisposing syndrome. Last evaluated: 2025-03-25. Review status: criteria provided, single submitter. Criteria: Ambry Variant Classification Scheme 2023. Collection method: clinical testing. Allele origin: germline.
Comment: The p.H435Q variant (also known as c.1305C>G), located in coding exon 12 of the NF1 gene, results from a C to G substitution at nucleotide position 1305. The histidine at codon 435 is replaced by glutamine, an amino acid with highly similar properties. This amino acid position is conserved. In addition, the in silico prediction for this alteration is inconclusive. Based on the available evidence, the clinical significance of this variant remains unclear.

NM_001042492.3(NF1):c.1305C>G (p.His435Gln)

Gene: NF1 (neurofibromin 1; plus strand). Cytogenetic location: 17q11.2.
Variant type: single nucleotide variant.
Coding change: c.1305C>G on transcript NM_001042492.3 (MANE Select); coding-DNA position 1305, C replaced by G.
Protein change: p.His435Gln; replaces histidine 435 with glutamine.
Molecular consequence: missense variant.
Genome position (GRCh38, 1-based): chr17:31,206,284, C>G. VCF-style: chr17-31206284-C-G. GRCh37 (hg19) VCF-style: chr17-29533302-C-G.
Other names: c.1305C>G, p.His435Gln (NM_000267.4, NM_001128147.3); short protein forms H435Q.
Identifiers: ClinVar variation 4016439 (VCV004016439.1).